The following is an entry in ClinVar:

ClinVar aggregate classification (germline): Pathogenic (1 of 4 stars; one submission).

Submission:

Labcorp Genetics (formerly Invitae), Labcorp
Classification: Pathogenic. Last evaluated: 2023-10-06. Review status: criteria provided, single submitter. Criteria: Invitae Variant Classification Sherloc (09022015). Collection method: clinical testing. Allele origin: germline.
Comment: This sequence change creates a premature translational stop signal (p.Arg459Glnfs*7) in the CYP27B1 gene. While this is not anticipated to result in nonsense mediated decay, it is expected to disrupt the last 50 amino acid(s) of the CYP27B1 protein. This variant is not present in population databases (gnomAD no frequency). This variant has not been reported in the literature in individuals affected with CYP27B1-related conditions. This variant disrupts a region of the CYP27B1 protein in which other variant(s) (p.Arg492Trp) have been determined to be pathogenic (PMID: 22588163, 30282619, 35279323). This suggests that this is a clinically significant region of the protein, and that variants that disrupt it are likely to be disease-causing. For these reasons, this variant has been classified as Pathogenic.

Literature cited by the submitters: PubMed 22588163; PubMed 30282619; PubMed 35279323.

NM_000785.4(CYP27B1):c.1372_1375dup (p.Arg459fs)

Gene: CYP27B1 (cytochrome P450 family 27 subfamily B member 1; minus strand). Cytogenetic location: 12q14.1.
Variant type: Duplication.
Coding change: c.1372_1375dup on transcript NM_000785.4 (MANE Select); coding-DNA positions 1372 to 1375, 4 bases duplicated (AGAC; older notation c.1372_1375dupAGAC).
Protein change: p.Arg459fs; shifts the reading frame from arginine 459.
Molecular consequence: frameshift variant.
Genome position (GRCh38, 1-based): chr12:57,763,649-57,763,652, GTCT duplicated on the plus strand (AGAC on the coding strand, the reverse complement: CYP27B1 is on the minus strand). VCF-style (leftmost placement, unchanged base first): chr12-57763648-C-CGTCT. GRCh37 (hg19) VCF-style: chr12-58157431-C-CGTCT.
Other names: short protein forms R459fs.
Identifiers: ClinVar variation 2766330 (VCV002766330.3), dbSNP rs2540915033, ClinGen allele CA2697559333.